The following is an entry in ClinVar:

NM_005857.3(ZMPSTE24):c.-194A>G

Genes: ZMPSTE24 (zinc metallopeptidase STE24; plus strand), LOC129930252 (ATAC-STARR-seq lymphoblastoid active region 835; plus strand). Cytogenetic location: 1p34.2.
Variant type: single nucleotide variant.
Coding change: c.-194A>G on transcript NM_005857.3; 194 bases upstream of the start codon, A replaced by G.
Genome position (GRCh38, 1-based): chr1:40,258,078, A>G. VCF-style: chr1-40258078-A-G. GRCh37 (hg19) VCF-style: chr1-40723750-A-G.
Identifiers: ClinVar variation 140504 (VCV000140504.3), dbSNP rs187549487, ClinGen allele CA232711.

ClinVar aggregate classification (germline): not provided (0 of 4 stars; one submission).

Allele frequency attached by ClinVar (database versions not stated): gnomAD 0.00437 and 0.00415; TOPMed 0.00187; 1000 Genomes Project 30x 0.00203; gnomAD exomes 0.00328; 1000 Genomes Project 0.00220.

Submission:

ZMPSTE24 homepage - Leiden Muscular Dystrophy pages
No classification provided. Review status: no classification provided. Collection method: not provided. Allele origin: germline.
Comment: no known functional consequence